The following is an entry in ClinVar:

ClinVar aggregate classification (germline): Uncertain significance (1 of 4 stars; one submission).

Conditions:
Hereditary cancer-predisposing syndrome. Also called: Neoplastic Syndromes, Hereditary; Tumor predisposition; Hereditary neoplastic syndrome; Hereditary Cancer Syndrome. Identifiers: Orphanet 140162, MedGen C0027672, MeSH D009386, MONDO:0015356.

Submission:

Ambry Genetics
Classification: Uncertain significance for Hereditary cancer-predisposing syndrome. Last evaluated: 2025-08-25. Review status: criteria provided, single submitter. Criteria: Ambry Variant Classification Scheme 2023. Collection method: clinical testing. Allele origin: germline.
Comment: The p.Y2404N variant (also known as c.7210T>A), located in coding exon 48 of the ATM gene, results from a T to A substitution at nucleotide position 7210. The tyrosine at codon 2404 is replaced by asparagine, an amino acid with dissimilar properties. This amino acid position is conserved. In addition, this alteration is predicted to be deleterious by in silico analysis. Based on the available evidence, the clinical significance of this variant remains unclear.

NM_000051.4(ATM):c.7210T>A (p.Tyr2404Asn)

Genes: ATM (ATM serine/threonine kinase; plus strand), C11orf65 (chromosome 11 open reading frame 65; minus strand). Cytogenetic location: 11q22.3.
Variant type: single nucleotide variant.
Coding change: c.7210T>A on transcript NM_000051.4 (MANE Select); coding-DNA position 7210, T replaced by A.
Protein change: p.Tyr2404Asn; replaces tyrosine 2404 with asparagine.
Molecular consequence: missense variant. On other transcripts: intron variant (2).
Genome position (GRCh38, 1-based): chr11:108,329,141, T>A. VCF-style: chr11-108329141-T-A. GRCh37 (hg19) VCF-style: chr11-108199868-T-A.
Other names: c.7210T>A, p.Tyr2404Asn (NM_001351834.2); c.641-20070A>T (NM_001330368.2); c.*38+6079A>T (NM_001351110.2); short protein forms Y2404N.
Identifiers: ClinVar variation 4170195 (VCV004170195.1).